The following is an entry in ClinVar:

ClinVar aggregate classification (germline): Uncertain significance. Review status: criteria provided, multiple submitters, no conflicts (2 of 4 stars). 2 submissions from 2 submitters: Uncertain significance (2). Last evaluated 2025-06-09.

Conditions:
Hereditary cancer-predisposing syndrome. Also called: Tumor predisposition; Neoplastic Syndromes, Hereditary; Hereditary neoplastic syndrome; Hereditary Cancer Syndrome. Identifiers: Orphanet 140162, MedGen C0027672, MeSH D009386, MONDO:0015356.
Oligodontia-cancer predisposition syndrome. Also called: TOOTH AGENESIS-COLORECTAL CANCER SYNDROME. Identifiers: Orphanet 300576, MedGen C1837750, MONDO:0012075, OMIM 608615. Disease mechanism: loss of function.

Allele frequency attached by ClinVar (database versions not stated): TOPMed 0.00001.
gnomAD v4.1: 12 of 1,614,196 alleles (0.00074%); highest among the groups gnomAD compares: Non-Finnish European, 0.001%; no homozygotes.

Submissions (2):

Ambry Genetics
Classification: Uncertain significance for Hereditary cancer-predisposing syndrome. Last evaluated: 2025-06-09. Review status: criteria provided, single submitter. Criteria: Ambry Variant Classification Scheme 2023. Collection method: clinical testing. Allele origin: germline.
Comment: The p.S785I variant (also known as c.2354G>T), located in coding exon 9 of the AXIN2 gene, results from a G to T substitution at nucleotide position 2354. The serine at codon 785 is replaced by isoleucine, an amino acid with dissimilar properties. This amino acid position is not well conserved in available vertebrate species. In addition, this alteration is predicted to be tolerated by in silico analysis. Since supporting evidence is limited at this time, the clinical significance of this alteration remains unclear.

Labcorp Genetics (formerly Invitae), Labcorp
Classification: Uncertain significance for Oligodontia-cancer predisposition syndrome. Last evaluated: 2020-07-27. Review status: criteria provided, single submitter. Criteria: Invitae Variant Classification Sherloc (09022015). Collection method: clinical testing. Allele origin: germline.
Comment: This sequence change replaces serine with isoleucine at codon 785 of the AXIN2 protein (p.Ser785Ile). The serine residue is highly conserved and there is a large physicochemical difference between serine and isoleucine. This variant is not present in population databases (ExAC no frequency). This variant has not been reported in the literature in individuals with AXIN2-related conditions. Algorithms developed to predict the effect of missense changes on protein structure and function are either unavailable or do not agree on the potential impact of this missense change (SIFT: "Deleterious"; PolyPhen-2: "Benign"; Align-GVGD: "Class C15"). In summary, the available evidence is currently insufficient to determine the role of this variant in disease. Therefore, it has been classified as a Variant of Uncertain Significance.

NM_004655.4(AXIN2):c.2354G>T (p.Ser785Ile)

Gene: AXIN2 (axin 2; minus strand). Cytogenetic location: 17q24.1.
Variant type: single nucleotide variant.
Coding change: c.2354G>T on transcript NM_004655.4 (MANE Select); coding-DNA position 2354, G replaced by T.
Protein change: p.Ser785Ile; replaces serine 785 with isoleucine.
Molecular consequence: missense variant.
Genome position (GRCh38, 1-based): chr17:65,533,963, C>A on the plus strand (G>T on the coding strand, the complement: AXIN2 is on the minus strand). VCF-style: chr17-65533963-C-A. GRCh37 (hg19) VCF-style: chr17-63530081-C-A.
Other names: c.2159G>T, p.Ser720Ile (NM_001363813.1); short protein forms S720I, S785I.
Identifiers: ClinVar variation 1019465 (VCV001019465.12), dbSNP rs2043865731, ClinGen allele CA400675430.